The following is an entry in ClinVar:

NM_001042492.3(NF1):c.5755G>T (p.Glu1919Ter)

Gene: NF1 (neurofibromin 1; plus strand). Cytogenetic location: 17q11.2.
Variant type: single nucleotide variant.
Coding change: c.5755G>T on transcript NM_001042492.3 (MANE Select); coding-DNA position 5755, G replaced by T.
Protein change: p.Glu1919Ter; replaces glutamic acid 1919 with a stop codon.
Molecular consequence: nonsense.
Genome position (GRCh38, 1-based): chr17:31,330,441, G>T. VCF-style: chr17-31330441-G-T. GRCh37 (hg19) VCF-style: chr17-29657459-G-T.
Other names: c.5692G>T, p.Glu1898Ter (NM_000267.4); short protein forms E1898*, E1919*.
Identifiers: ClinVar variation 1453814 (VCV001453814.6), dbSNP rs1227869359, ClinGen allele CA399010402.

ClinVar aggregate classification (germline): Pathogenic (1 of 4 stars; one submission).

Conditions:
Neurofibromatosis, type 1 (NF1). Also called: Neurofibromatosis, type I; VON RECKLINGHAUSEN DISEASE; NEUROFIBROMATOSIS, TYPE I, SOMATIC; Peripheral type neurofibromatosis. Identifiers: Orphanet 636, MedGen C0027831, MONDO:0018975, OMIM 162200. Disease mechanism: loss of function.

Submission:

Labcorp Genetics (formerly Invitae), Labcorp
Classification: Pathogenic for Neurofibromatosis, type 1. Last evaluated: 2025-08-20. Review status: criteria provided, single submitter. Criteria: Invitae Variant Classification Sherloc (09022015). Collection method: clinical testing. Allele origin: germline.
Comment: This sequence change creates a premature translational stop signal (p.Glu1898*) in the NF1 gene. It is expected to result in an absent or disrupted protein product. Loss-of-function variants in NF1 are known to be pathogenic (PMID: 10712197, 23913538). This variant is not present in population databases (gnomAD no frequency). This variant has not been reported in the literature in individuals affected with NF1-related conditions. Invitae Evidence Modeling of clinical and family history, age, sex, and reported ancestry of multiple individuals with this NF1 variant has been performed. This variant is expected to be pathogenic with a positive predictive value of at least 99%. This is a validated machine learning model that incorporates the clinical features of 1,785,918 individuals referred to our laboratory for NF1 testing. ClinVar contains an entry for this variant (Variation ID: 1453814). Algorithms developed to predict the effect of sequence changes on RNA splicing suggest that this variant may disrupt the consensus splice site. For these reasons, this variant has been classified as Pathogenic.

Literature cited by the submitters: PubMed 10712197; PubMed 23913538.